The following is an entry in ClinVar:

NM_002439.5(MSH3):c.2794G>A (p.Val932Met)

Gene: MSH3 (mutS homolog 3; plus strand). Cytogenetic location: 5q14.1.
Variant type: single nucleotide variant.
Coding change: c.2794G>A on transcript NM_002439.5 (MANE Select); coding-DNA position 2794, G replaced by A.
Protein change: p.Val932Met; replaces valine 932 with methionine.
Molecular consequence: missense variant.
Genome position (GRCh38, 1-based): chr5:80,813,722, G>A. VCF-style: chr5-80813722-G-A. GRCh37 (hg19) VCF-style: chr5-80109541-G-A.
Other names: c.2794G>A (NM_002439.3); short protein forms V932M.
Identifiers: ClinVar variation 2958684 (VCV002958684.5), dbSNP rs2546797454, ClinGen allele CA360274086.

ClinVar aggregate classification (germline): Uncertain significance. Review status: criteria provided, multiple submitters, no conflicts (2 of 4 stars). 3 submissions from 3 submitters: Uncertain significance (3). Last evaluated 2026-05-27.

Conditions:
Hereditary cancer-predisposing syndrome. Also called: Hereditary neoplastic syndrome; Neoplastic Syndromes, Hereditary; Tumor predisposition; Hereditary Cancer Syndrome. Identifiers: Orphanet 140162, MedGen C0027672, MeSH D009386, MONDO:0015356.

Submissions (3):

Ambry Genetics
Classification: Uncertain significance for Hereditary cancer-predisposing syndrome. Last evaluated: 2026-05-27. Review status: criteria provided, single submitter. Criteria: Ambry Variant Classification Scheme 2023. Collection method: clinical testing. Allele origin: germline.
Comment: The p.V932M variant (also known as c.2794G>A), located in coding exon 20 of the MSH3 gene, results from a G to A substitution at nucleotide position 2794. The valine at codon 932 is replaced by methionine, an amino acid with highly similar properties. This amino acid position is conserved. In addition, the in silico prediction for this alteration is inconclusive. Based on the available evidence, the clinical significance of this variant remains unclear.

Labcorp Genetics (formerly Invitae), Labcorp
Classification: Uncertain significance. Last evaluated: 2025-10-23. Review status: criteria provided, single submitter. Criteria: Invitae Variant Classification Sherloc (09022015). Collection method: clinical testing. Allele origin: germline.
Comment: This sequence change replaces valine, which is neutral and non-polar, with methionine, which is neutral and non-polar, at codon 932 of the MSH3 protein (p.Val932Met). This variant is not present in population databases (gnomAD no frequency). This variant has not been reported in the literature in individuals affected with MSH3-related conditions. ClinVar contains an entry for this variant (Variation ID: 2958684). An algorithm developed to predict the effect of missense changes on protein structure and function (PolyPhen-2) suggests that this variant is likely to be disruptive. In summary, the available evidence is currently insufficient to determine the role of this variant in disease. Therefore, it has been classified as a Variant of Uncertain Significance.

Center for Genomic Medicine, Rigshospitalet, Copenhagen University Hospital
Classification: Uncertain significance. Last evaluated: 2025-03-04. Review status: criteria provided, single submitter. Criteria: ACMG Guidelines, 2015. Collection method: clinical testing. Allele origin: germline.